The following is an entry in ClinVar:

NM_001385012.1(NBEA):c.2209A>C (p.Met737Leu)

Gene: NBEA (neurobeachin; plus strand). Cytogenetic location: 13q13.3.
Variant type: single nucleotide variant.
Coding change: c.2209A>C on transcript NM_001385012.1 (MANE Select); coding-DNA position 2209, A replaced by C.
Protein change: p.Met737Leu; replaces methionine 737 with leucine.
Molecular consequence: missense variant.
Genome position (GRCh38, 1-based): chr13:35,118,440, A>C. VCF-style: chr13-35118440-A-C. GRCh37 (hg19) VCF-style: chr13-35692577-A-C.
Other names: p.Met737Leu; c.2209A>C, p.Met737Leu (NM_001379245.1, NM_015678.5); c.2209A>C (NM_015678.4); short protein forms M737L.
Identifiers: ClinVar variation 1694700 (VCV001694700.34), dbSNP rs764502239, ClinGen allele CA6946407.

ClinVar aggregate classification (germline): Likely benign. Review status: criteria provided, multiple submitters, no conflicts (2 of 4 stars). 3 submissions from 3 submitters: Likely benign (3). Last evaluated 2025-07-31.

Conditions:
Inborn genetic diseases. Identifiers: MedGen C0950123, MeSH D030342.

Allele frequency attached by ClinVar (database versions not stated): gnomAD 0.00001; TOPMed 0.00008.
gnomAD v4.1: 62 of 1,605,558 alleles (0.0039%); highest among the groups gnomAD compares: Middle Eastern, 0.16%; no homozygotes.

Submissions (3):

Mayo Clinic Laboratories, Mayo Clinic
Classification: Likely benign. Last evaluated: 2025-07-31. Review status: criteria provided, single submitter. Criteria: ACMG Guidelines, 2015. Collection method: clinical testing. Allele origin: germline. Observed: 1 variant allele.
Comment: BS1, BP4, PP2

Ambry Genetics
Classification: Likely benign for Inborn genetic diseases. Last evaluated: 2023-03-20. Review status: criteria provided, single submitter. Criteria: Ambry Variant Classification Scheme 2023. Collection method: clinical testing. Allele origin: germline.

CeGaT Center for Human Genetics Tuebingen
Classification: Likely benign. Last evaluated: 2022-09-01. Review status: criteria provided, single submitter. Criteria: CeGaT Center For Human Genetics Tuebingen Variant Classification Criteria Version 2. Collection method: clinical testing. Allele origin: germline. Affected: yes. Observed: 2 variant alleles.
Comment: NBEA: BS2